The following is an entry in ClinVar:

ClinVar aggregate classification (germline): Likely benign (0 of 4 stars; one submission).

Conditions:
EPS8L2-related disorder. Also called: EPS8L2-related condition.

Allele frequency attached by ClinVar (database versions not stated): gnomAD 0.00001; gnomAD exomes 0.00001; TOPMed 0.00001; ExAC 0.00003; 1000 Genomes Project 30x 0.00016.

Submission:

PreventionGenetics, part of Exact Sciences
Classification: Likely benign for EPS8L2-related condition. Last evaluated: 2019-04-03. Review status: no assertion criteria provided. Collection method: clinical testing. Allele origin: germline.
Comment: This variant is classified as likely benign based on ACMG/AMP sequence variant interpretation guidelines (Richards et al. 2015 PMID: 25741868, with internal and published modifications).

NM_022772.4(EPS8L2):c.1754-8C>A

Gene: EPS8L2 (EPS8 signaling adaptor L2; plus strand). Cytogenetic location: 11p15.5.
Variant type: single nucleotide variant.
Coding change: c.1754-8C>A on transcript NM_022772.4 (MANE Select); 8 bases into the intron before coding-DNA position 1754, C replaced by A.
Molecular consequence: intron variant.
Genome position (GRCh38, 1-based): chr11:726,296, C>A. VCF-style: chr11-726296-C-A. GRCh37 (hg19) VCF-style: chr11-726296-C-A.
Identifiers: ClinVar variation 3058281 (VCV003058281.2), dbSNP rs749135598, ClinGen allele CA5787789.
Genomic context (GRCh38, chr11:726,296, plus strand): 5'-GGGGTCCCTGGGCCGGGGGCGGGGGCAGGGGCAAGGCAGCGGCGGGCCTGAGTCGCGCGC[C>A]CCCTCAGAGCTCATGCAGCACATGGACGAGGTCAACGACGAGCTCATCCGGAAAATCAGC-3'